The following is an entry in ClinVar:

NM_001375765.1(GIGYF1):c.1788G>A (p.Pro596=)

Gene: GIGYF1 (GRB10 interacting GYF protein 1; minus strand). Cytogenetic location: 7q22.1.
Variant type: single nucleotide variant.
Coding change: c.1788G>A on transcript NM_001375765.1 (MANE Select); coding-DNA position 1788, G replaced by A.
Protein change: p.Pro596=; no amino-acid change (proline 596 retained).
Molecular consequence: synonymous variant. On other transcripts: non-coding transcript variant (1).
Genome position (GRCh38, 1-based): chr7:100,684,100, C>T on the plus strand (G>A on the coding strand, the complement: GIGYF1 is on the minus strand). VCF-style: chr7-100684100-C-T. GRCh37 (hg19) VCF-style: chr7-100281723-C-T.
Other names: NM_022574.4:c.1788G>A; c.1788G>A, p.Pro596= (NM_001375759.1, NM_001375760.1, NM_001375761.1 and 6 more transcripts).
Identifiers: ClinVar variation 747944 (VCV000747944.5), dbSNP rs199733363, ClinGen allele CA4388420.
Genomic context (GRCh38, chr7:100,684,100, plus strand): 5'-GAGCTGCTGCAGGAATGCCGTGAGCTGCTGCTGCTGCTGCTGTGGCGGCGGCGGTGGTGG[C>T]GGTGTCAGGTCCCCCAGAGCTGCCTTTTCTCGGAGCGCGCACTGTGGGAGCTGGCGGCTG-3'
Protein context (NP_001362694.1, residues 586-606): REKAALGDLT[Pro596=]PPPPPPQQQQ

ClinVar aggregate classification (germline): Likely benign. Review status: criteria provided, single submitter (1 of 4 stars). 2 submissions from 2 submitters: Likely benign (1). 1 of the submissions does not count toward it. Last evaluated 2019-01-15.

Conditions:
GIGYF1-related disorder. Also called: GIGYF1-related condition.

Allele frequency attached by ClinVar (database versions not stated): ExAC 0.00002; gnomAD exomes 0.00005; gnomAD 0.00022 and 0.00023; 1000 Genomes Project 30x 0.00031; 1000 Genomes Project 0.00040; TOPMed 0.00046.

Submissions (2):

Labcorp Genetics (formerly Invitae), Labcorp
Classification: Likely benign. Last evaluated: 2019-01-15. Review status: criteria provided, single submitter. Criteria: Invitae Variant Classification Sherloc (09022015). Collection method: clinical testing. Allele origin: germline.

PreventionGenetics, part of Exact Sciences
Classification: Likely benign for GIGYF1-related condition. Last evaluated: 2024-01-08. Review status: no assertion criteria provided. Collection method: clinical testing. Allele origin: germline. Not counted in ClinVar's aggregate classification.
Comment: This variant is classified as likely benign based on ACMG/AMP sequence variant interpretation guidelines (Richards et al. 2015 PMID: 25741868, with internal and published modifications).